The following is an entry in ClinVar:

ClinVar aggregate classification (germline): Pathogenic (1 of 4 stars; one submission).

Conditions:
Intellectual disability, autosomal recessive 53 (NEDHSCA). Also called: GLYCOSYLPHOSPHATIDYLINOSITOL BIOSYNTHESIS DEFECT 13; Mental retardation, autosomal recessive 53; NEURODEVELOPMENTAL DISORDER WITH OR WITHOUT HYPOTONIA, SEIZURES, AND CEREBELLAR ATROPHY. Identifiers: MedGen C4310794, MONDO:0014832, OMIM 616917, Orphanet 488635.

Allele frequency attached by ClinVar (database versions not stated): gnomAD exomes below 0.00001 and 0.00001; TOPMed 0.00001; ExAC 0.00002; gnomAD 0.00002.

Submission:

Labcorp Genetics (formerly Invitae), Labcorp
Classification: Pathogenic for Intellectual disability, autosomal recessive 53. Last evaluated: 2024-07-19. Review status: criteria provided, single submitter. Criteria: Invitae Variant Classification Sherloc (09022015). Collection method: clinical testing. Allele origin: germline.
Comment: This sequence change creates a premature translational stop signal (p.Cys665Serfs*7) in the PIGG gene. It is expected to result in an absent or disrupted protein product. Loss-of-function variants in PIGG are known to be pathogenic (PMID: 26996948, 28581210, 28771251). This variant is present in population databases (rs755634856, gnomAD 0.003%). This variant has not been reported in the literature in individuals affected with PIGG-related conditions. ClinVar contains an entry for this variant (Variation ID: 573518). For these reasons, this variant has been classified as Pathogenic.

Literature cited by the submitters: PubMed 26996948; PubMed 28581210; PubMed 28771251.

NM_001127178.3(PIGG):c.1994del (p.Cys665fs)

Gene: PIGG (phosphatidylinositol glycan anchor biosynthesis class G (EMM blood group); plus strand). Cytogenetic location: 4p16.3.
Variant type: Deletion.
Coding change: c.1994del on transcript NM_001127178.3 (MANE Select); coding-DNA position 1994, one base deleted (G; older notation c.1994delG).
Protein change: p.Cys665fs; shifts the reading frame from cysteine 665.
Molecular consequence: frameshift variant. On other transcripts: non-coding transcript variant (6).
Genome position (GRCh38, 1-based): chr4:523,838, G deleted. VCF-style (leftmost placement, unchanged base first): chr4-523837-TG-T. GRCh37 (hg19) VCF-style: chr4-517626-TG-T.
Other names: c.1727del, p.Cys576fs (NM_001289051.2, NM_001345986.2); c.1595del, p.Cys532fs (NM_001289052.2); c.1703del, p.Cys568fs (NM_001345987.2); c.965del, p.Cys322fs (NM_001345988.2); c.461del, p.Cys154fs (NM_001345990.2, NM_001345991.2); c.896del, p.Cys299fs (NM_001345994.2); c.1970del, p.Cys657fs (NM_017733.5); short protein forms C665fs, C299fs, C532fs, C568fs, C154fs, C322fs, C576fs, C657fs.
Identifiers: ClinVar variation 573518 (VCV000573518.7), dbSNP rs755634856, ClinGen allele CA2793499.